The following is an entry in ClinVar:

ClinVar aggregate classification (germline): Benign/Likely benign. Review status: criteria provided, multiple submitters, no conflicts (2 of 4 stars). 12 submissions from 10 submitters: Benign (6); Likely benign (2). 4 of the submissions do not count toward it. Last evaluated 2026-03-01.

Conditions:
Autoinflammatory syndrome. Identifiers: Orphanet 93665, MedGen C3890737, MONDO:0019751.
NLRP3-related disorder. Also called: NLRP3-Related Disorders; NLRP3-related condition.
Cryopyrin associated periodic syndrome (CAPS). Identifiers: Orphanet 208650, MedGen C2316212, MONDO:0016168.
Familial amyloid nephropathy with urticaria AND deafness (MWS). Also called: MUCKLE-WELLS SYNDROME; CRYOPYRIN-ASSOCIATED PERIODIC SYNDROME 2; UDA SYNDROME; URTICARIA-DEAFNESS-AMYLOIDOSIS SYNDROME; Urticaria, deafness and amyloidosis. Identifiers: Orphanet 575, MedGen C0268390, MONDO:0008633, OMIM 191900.
Chronic infantile neurological, cutaneous and articular syndrome (CINCA). Also called: Prieur Griscelli syndrome; CRYOPYRIN-ASSOCIATED PERIODIC SYNDROME 3; CHRONIC NEUROLOGIC CUTANEOUS AND ARTICULAR SYNDROME; CINCA syndrome. Identifiers: Orphanet 1451, MedGen C0409818, MONDO:0011776, OMIM 607115.
Familial cold autoinflammatory syndrome 1 (FCAS1). Also called: Familial cold inflammatory syndrome 1; CRYOPYRIN-ASSOCIATED PERIODIC SYNDROME 1. Identifiers: Orphanet 47045, MedGen C4551895, MONDO:0007349, OMIM 120100.

Allele frequency attached by ClinVar (database versions not stated): gnomAD 0.00005 and 0.00048; ESP Exome Variant Server 0.00008; TOPMed 0.00016; gnomAD exomes 0.00158; ExAC 0.00159; 1000 Genomes Project 30x 0.00250; 1000 Genomes Project 0.00319.
gnomAD v4.1: 1,210 of 1,613,838 alleles (0.075%); highest among the groups gnomAD compares: South Asian, 1.2%; 10 homozygotes.

Submissions (12):

CeGaT Center for Human Genetics Tuebingen
Classification: Likely benign. Last evaluated: 2026-03-01. Review status: criteria provided, single submitter. Criteria: CeGaT Center For Human Genetics Tuebingen Variant Classification Criteria Version 2. Collection method: clinical testing. Allele origin: germline. Affected: yes. Observed: 1 variant allele.
Comment: NLRP3: BP4, BP7, BS1

Labcorp Genetics (formerly Invitae), Labcorp
Classification: Benign for Cryopyrin associated periodic syndrome. Last evaluated: 2026-01-24. Review status: criteria provided, single submitter. Criteria: Invitae Variant Classification Sherloc (09022015). Collection method: clinical testing. Allele origin: germline.

Genome Diagnostics Laboratory, The Hospital for Sick Children
Classification: Likely benign for Autoinflammatory syndrome. Last evaluated: 2020-03-01. Review status: criteria provided, single submitter. Criteria: ACMG Guidelines, 2015. Collection method: clinical testing. Allele origin: germline. Affected: yes.

Illumina Laboratory Services, Illumina
Classification: Benign for Chronic infantile neurological, cutaneous and articular syndrome. Last evaluated: 2018-01-13. Review status: criteria provided, single submitter. Criteria: ICSL Variant Classification Criteria 13 December 2019. Collection method: clinical testing. Allele origin: germline.
Comment: This variant was observed in the ICSL laboratory as part of a predisposition screen in an ostensibly healthy population. It had not been previously curated by ICSL or reported in the Human Gene Mutation Database (HGMD: prior to June 1st, 2018), and was therefore a candidate for classification through an automated scoring system. Utilizing variant allele frequency, disease prevalence and penetrance estimates, and inheritance mode, an automated score was calculated to assess if this variant is too frequent to cause the disease. Based on the score and internal cut-off values, a variant classified as benign is not then subjected to further curation. The score for this variant resulted in a classification of benign for this disease.

Illumina Laboratory Services, Illumina
Classification: Benign for Familial cold autoinflammatory syndrome 1. Last evaluated: 2018-01-13. Review status: criteria provided, single submitter. Criteria: ICSL Variant Classification Criteria 13 December 2019. Collection method: clinical testing. Allele origin: germline.
Comment: the same text as in the submission from Illumina Laboratory Services, Illumina above.

Illumina Laboratory Services, Illumina
Classification: Benign for Familial amyloid nephropathy with urticaria AND deafness. Last evaluated: 2018-01-13. Review status: criteria provided, single submitter. Criteria: ICSL Variant Classification Criteria 13 December 2019. Collection method: clinical testing. Allele origin: germline.
Comment: the same text as in the submission from Illumina Laboratory Services, Illumina above.

Laboratory for Molecular Medicine, Mass General Brigham Personalized Medicine
Classification: Benign. Last evaluated: 2017-08-23. Review status: criteria provided, single submitter. Criteria: LMM Criteria. Collection method: clinical testing. Allele origin: germline. Observed: 1 variant allele.
Comment: p.Ala71Ala in exon 1 of NLRP3: This variant is not expected to have clinical sig nificance because it does not alter an amino acid residue, is not located within the splice consensus sequence, and has been identified in 1.13% (186/16406) of South Asian chromosomes by the Exome Aggregation Consortium (ExAC; dbSNP rs200082602).

GeneDx
Classification: Benign. Last evaluated: 2014-03-12. Review status: criteria provided, single submitter. Criteria: GeneDx Variant Classification (06012015). Collection method: clinical testing. Allele origin: germline. Affected: yes.
Comment: This variant is considered likely benign or benign based on one or more of the following criteria: it is a conservative change, it occurs at a poorly conserved position in the protein, it is predicted to be benign by multiple in silico algorithms, and/or has population frequency not consistent with disease.

PreventionGenetics, part of Exact Sciences
Classification: Benign for NLRP3-related condition. Last evaluated: 2019-12-20. Review status: no assertion criteria provided. Collection method: clinical testing. Allele origin: germline. Not counted in ClinVar's aggregate classification.
Comment: This variant is classified as benign based on ACMG/AMP sequence variant interpretation guidelines (Richards et al. 2015 PMID: 25741868, with internal and published modifications).

Clinical Genetics DNA and cytogenetics Diagnostics Lab, Erasmus MC, Erasmus Medical Center
Classification: Benign. Review status: no assertion criteria provided. Collection method: clinical testing. Allele origin: germline. Affected: yes. Study: VKGL Data-share Consensus. Not counted in ClinVar's aggregate classification.

Genome Diagnostics Laboratory, University Medical Center Utrecht
Classification: Benign. Review status: no assertion criteria provided. Collection method: clinical testing. Allele origin: germline. Affected: yes. Study: VKGL Data-share Consensus. Not counted in ClinVar's aggregate classification.

Laboratory of Diagnostic Genome Analysis, Leiden University Medical Center (LUMC)
Classification: Likely benign. Review status: no assertion criteria provided. Collection method: clinical testing. Allele origin: germline. Affected: yes. Study: VKGL Data-share Consensus. Not counted in ClinVar's aggregate classification.

NM_001243133.2(NLRP3):c.207C>T (p.Ala69=)

Gene: NLRP3 (NLR family pyrin domain containing 3; plus strand). Cytogenetic location: 1q44.
Variant type: single nucleotide variant.
Coding change: c.207C>T on transcript NM_001243133.2 (MANE Select); coding-DNA position 207, C replaced by T.
Protein change: p.Ala69=; no amino-acid change (alanine 69 retained).
Molecular consequence: synonymous variant.
Genome position (GRCh38, 1-based): chr1:247,419,007, C>T. VCF-style: chr1-247419007-C-T. GRCh37 (hg19) VCF-style: chr1-247582309-C-T.
Other names: p.A71A:GCC>GCT; c.207C>T, p.Ala69= (NM_001079821.3, NM_001127461.3, NM_001127462.3 and 1 more transcripts); c.213C>T, p.Ala71= (NM_004895.5).
Identifiers: ClinVar variation 138526 (VCV000138526.31), dbSNP rs200082602, ClinGen allele CA292546.